The following is an entry in ClinVar:

ClinVar aggregate classification (germline): Uncertain significance (1 of 4 stars; one submission).

Conditions:
Hypertrophic cardiomyopathy. Also called: HYPERTROPHIC MYOCARDIOPATHY. Identifiers: Orphanet 217569, MedGen C0007194, MeSH D002312, MONDO:0005045, HP:0001639.

Submission:

Labcorp Genetics (formerly Invitae), Labcorp
Classification: Uncertain significance for Hypertrophic cardiomyopathy. Last evaluated: 2025-11-12. Review status: criteria provided, single submitter. Criteria: Invitae Variant Classification Sherloc (09022015). Collection method: clinical testing. Allele origin: germline.
Comment: This sequence change creates a premature translational stop signal (p.Asp930Glnfs*9) in the MYOM1 gene. It is expected to result in an absent or disrupted protein product. However, the current clinical and genetic evidence is not sufficient to establish whether loss-of-function variants in MYOM1 cause disease. This variant is not present in population databases (gnomAD no frequency). This variant has not been reported in the literature in individuals affected with MYOM1-related conditions. In summary, the available evidence is currently insufficient to determine the role of this variant in disease. Therefore, it has been classified as a Variant of Uncertain Significance.

NM_003803.4(MYOM1):c.2788_2789del (p.Asp930fs)

Gene: MYOM1 (myomesin 1; minus strand). Cytogenetic location: 18p11.31.
Variant type: Deletion.
Coding change: c.2788_2789del on transcript NM_003803.4 (MANE Select); coding-DNA positions 2788 to 2789, 2 bases deleted (GA; older notation c.2788_2789delGA).
Protein change: p.Asp930fs; shifts the reading frame from aspartic acid 930.
Molecular consequence: frameshift variant. On other transcripts: intron variant (1).
Genome position (GRCh38, 1-based): chr18:3,129,237-3,129,238, TC deleted on the plus strand (GA on the coding strand, the reverse complement: MYOM1 is on the minus strand); deleting any 2 consecutive bases within chr18:3,129,237-3,129,239 gives the same sequence; the c. name uses the placement nearest the transcript's 3' end. VCF-style (leftmost placement, unchanged base first): chr18-3129236-GTC-G. GRCh37 (hg19) VCF-style: chr18-3129234-GTC-G.
Other names: c.2506+2137_2506+2138del (NM_019856.2); short protein forms D930fs.
Identifiers: ClinVar variation 4697903 (VCV004697903.1).
Genomic context (GRCh38, chr18:3,129,236, plus strand): 5'-AGAGGTGAGGACAGTGATGGAGACGGATGGAACAGCTTCCCTTTCTCAACTCTCACCTCT[GTC>G]TGTCTTCTTTTTCAGGGGGTCAGACTTACTTTTCCCCTGAGGAGCCGCTTTCTGTGGTGG-3'